The following is an entry in ClinVar:

ClinVar aggregate classification (germline): Uncertain significance. Review status: criteria provided, multiple submitters, no conflicts (2 of 4 stars). 2 submissions from 2 submitters: Uncertain significance (2). Last evaluated 2024-04-02.

Conditions:
Hereditary cancer-predisposing syndrome. Also called: Neoplastic Syndromes, Hereditary; Tumor predisposition; Hereditary neoplastic syndrome; Hereditary Cancer Syndrome. Identifiers: Orphanet 140162, MedGen C0027672, MeSH D009386, MONDO:0015356.
Cardiovascular phenotype. Identifiers: MedGen CN230736.

Submissions (2):

Labcorp Genetics (formerly Invitae), Labcorp
Classification: Uncertain significance. Last evaluated: 2024-04-02. Review status: criteria provided, single submitter. Criteria: Invitae Variant Classification Sherloc (09022015). Collection method: clinical testing. Allele origin: germline.
Comment: This sequence change replaces cysteine, which is neutral and slightly polar, with tryptophan, which is neutral and slightly polar, at codon 60 of the LZTR1 protein (p.Cys60Trp). This variant is not present in population databases (gnomAD no frequency). This variant has not been reported in the literature in individuals affected with LZTR1-related conditions. Advanced modeling of protein sequence and biophysical properties (such as structural, functional, and spatial information, amino acid conservation, physicochemical variation, residue mobility, and thermodynamic stability) performed at Invitae indicates that this missense variant is not expected to disrupt LZTR1 protein function with a negative predictive value of 80%. In summary, the available evidence is currently insufficient to determine the role of this variant in disease. Therefore, it has been classified as a Variant of Uncertain Significance.

Ambry Genetics
Classification: Uncertain significance for Cardiovascular phenotype; Hereditary cancer-predisposing syndrome. Last evaluated: 2023-03-29. Review status: criteria provided, single submitter. Criteria: Ambry Variant Classification Scheme 2023. Collection method: clinical testing. Allele origin: germline.
Comment: The p.C60W variant (also known as c.180C>G), located in coding exon 1 of the LZTR1 gene, results from a C to G substitution at nucleotide position 180. The cysteine at codon 60 is replaced by tryptophan, an amino acid with highly dissimilar properties. This amino acid position is conserved. In addition, this alteration is predicted to be deleterious by in silico analysis. Since supporting evidence is limited at this time, the clinical significance of this alteration remains unclear.

NM_006767.4(LZTR1):c.180C>G (p.Cys60Trp)

Gene: LZTR1 (leucine zipper like post translational regulator 1; plus strand). Cytogenetic location: 22q11.21.
Variant type: single nucleotide variant.
Coding change: c.180C>G on transcript NM_006767.4 (MANE Select); coding-DNA position 180, C replaced by G.
Protein change: p.Cys60Trp; replaces cysteine 60 with tryptophan.
Molecular consequence: missense variant.
Genome position (GRCh38, 1-based): chr22:20,982,551, C>G. VCF-style: chr22-20982551-C-G. GRCh37 (hg19) VCF-style: chr22-21336840-C-G.
Other names: short protein forms C60W.
Identifiers: ClinVar variation 3238136 (VCV003238136.3), dbSNP rs766446110.